The following is an entry in ClinVar:

ClinVar aggregate classification (germline): Uncertain significance (1 of 4 stars; one submission).

Conditions:
Hypertrophic cardiomyopathy. Also called: HYPERTROPHIC MYOCARDIOPATHY. Identifiers: Orphanet 217569, MedGen C0007194, MeSH D002312, MONDO:0005045, HP:0001639.

Allele frequency attached by ClinVar (database versions not stated): gnomAD 0.00001.
gnomAD v4.1: 1 of 1,612,004 alleles (0.000062%); highest among the groups gnomAD compares: African/African-American, 0.0013%; no homozygotes.

Submission:

Labcorp Genetics (formerly Invitae), Labcorp
Classification: Uncertain significance for Hypertrophic cardiomyopathy. Last evaluated: 2021-04-28. Review status: criteria provided, single submitter. Criteria: Invitae Variant Classification Sherloc (09022015). Collection method: clinical testing. Allele origin: germline.
Comment: This variant is not present in population databases (ExAC no frequency). In summary, the available evidence is currently insufficient to determine the role of this variant in disease. Therefore, it has been classified as a Variant of Uncertain Significance. Algorithms developed to predict the effect of missense changes on protein structure and function are either unavailable or do not agree on the potential impact of this missense change (SIFT: "Tolerated"; PolyPhen-2: "Possibly Damaging"; Align-GVGD: "Class C0"). This variant has not been reported in the literature in individuals with MYOM1-related conditions. This sequence change replaces cysteine with glycine at codon 942 of the MYOM1 protein (p.Cys942Gly). The cysteine residue is weakly conserved and there is a large physicochemical difference between cysteine and glycine.

NM_003803.4(MYOM1):c.2824T>G (p.Cys942Gly)

Gene: MYOM1 (myomesin 1; minus strand). Cytogenetic location: 18p11.31.
Variant type: single nucleotide variant.
Coding change: c.2824T>G on transcript NM_003803.4 (MANE Select); coding-DNA position 2824, T replaced by G.
Protein change: p.Cys942Gly; replaces cysteine 942 with glycine.
Molecular consequence: missense variant.
Genome position (GRCh38, 1-based): chr18:3,126,868, A>C on the plus strand (T>G on the coding strand, the complement: MYOM1 is on the minus strand). VCF-style: chr18-3126868-A-C. GRCh37 (hg19) VCF-style: chr18-3126866-A-C.
Other names: c.2536T>G, p.Cys846Gly (NM_019856.2); short protein forms C846G, C942G.
Identifiers: ClinVar variation 1349715 (VCV001349715.8), dbSNP rs2079794317, ClinGen allele CA401708667.